The following is an entry in ClinVar:

ClinVar aggregate classification (germline): Uncertain significance (1 of 4 stars; one submission).

Submission:

GeneDx
Classification: Uncertain significance. Last evaluated: 2026-03-31. Review status: criteria provided, single submitter. Criteria: GeneDx Variant Classification Process June 2021. Collection method: clinical testing. Allele origin: germline.
Comment: Not observed at significant frequency in large population cohorts (gnomAD); In silico analysis supports that this missense variant has a deleterious effect on protein structure/function; Has not been previously published as pathogenic or benign to our knowledge

NM_004999.4(MYO6):c.88A>C (p.Thr30Pro)

Gene: MYO6 (myosin VI; plus strand). Cytogenetic location: 6q14.1.
Variant type: single nucleotide variant.
Coding change: c.88A>C on transcript NM_004999.4 (MANE Select); coding-DNA position 88, A replaced by C.
Protein change: p.Thr30Pro; replaces threonine 30 with proline.
Molecular consequence: missense variant. On other transcripts: non-coding transcript variant (2).
Genome position (GRCh38, 1-based): chr6:75,817,635, A>C. VCF-style: chr6-75817635-A-C. GRCh37 (hg19) VCF-style: chr6-76527352-A-C.
Other names: c.88A>C, p.Thr30Pro (NM_001300899.2, NM_001368136.1, NM_001368137.1 and 5 more transcripts); short protein forms T30P.
Identifiers: ClinVar variation 5018060 (VCV005018060.1).